The following is an entry in ClinVar:

NM_139058.3(ARX):c.1371G>C (p.Gly457=)

Gene: ARX (aristaless related homeobox; minus strand). Cytogenetic location: Xp21.3.
Variant type: single nucleotide variant.
Coding change: c.1371G>C on transcript NM_139058.3 (MANE Select); coding-DNA position 1371, G replaced by C.
Protein change: p.Gly457=; no amino-acid change (glycine 457 retained).
Molecular consequence: synonymous variant.
Genome position (GRCh38, 1-based): chrX:25,007,188, C>G on the plus strand (G>C on the coding strand, the complement: ARX is on the minus strand). VCF-style: chrX-25007188-C-G. GRCh37 (hg19) VCF-style: chrX-25025305-C-G.
Identifiers: ClinVar variation 3025795 (VCV003025795.22), dbSNP rs781348930, ClinGen allele CA10373810.

ClinVar aggregate classification (germline): Likely benign (1 of 4 stars; one submission).

Allele frequency attached by ClinVar (database versions not stated): ExAC 0.00003.
gnomAD v4.1: 1 of 1,187,544 alleles (0.000084%); no homozygotes.

Submission:

CeGaT Center for Human Genetics Tuebingen
Classification: Likely benign. Last evaluated: 2026-08-01. Review status: criteria provided, single submitter. Criteria: CeGaT Center For Human Genetics Tuebingen Variant Classification Criteria Version 2. Collection method: clinical testing. Allele origin: germline. Affected: yes. Observed: 7 variant alleles.
Comment: ARX: BP4, BP7